The following is an entry in ClinVar:

NM_152383.5(DIS3L2):c.2606_2610dup (p.Glu871fs)

Gene: DIS3L2 (DIS3 like 3'-5' exoribonuclease 2; plus strand). Cytogenetic location: 2q37.1.
Variant type: Duplication.
Coding change: c.2606_2610dup on transcript NM_152383.5 (MANE Select); coding-DNA positions 2606 to 2610, 5 bases duplicated (AGAAG; older notation c.2606_2610dupAGAAG).
Protein change: p.Glu871fs; shifts the reading frame from glutamic acid 871.
Molecular consequence: frameshift variant. On other transcripts: non-coding transcript variant (2), intron variant (1).
Genome position (GRCh38, 1-based): chr2:232,336,578-232,336,582, AGAAG duplicated; duplicating any 5 consecutive bases within chr2:232,336,577-232,336,582 gives the same sequence; the c. name uses the placement nearest the transcript's 3' end. VCF-style (leftmost placement, unchanged base first): chr2-232336576-T-TGAGAA. GRCh37 (hg19) VCF-style: chr2-233201286-T-TGAGAA.
Other names: c.1582-6767_1582-6763dup (NM_001257281.2); short protein forms E871fs.
Identifiers: ClinVar variation 1415491 (VCV001415491.4), dbSNP rs757759005, ClinGen allele CA2164626.

ClinVar aggregate classification (germline): Uncertain significance (1 of 4 stars; one submission).

Conditions:
Perlman syndrome (PRLMNS). Identifiers: Orphanet 2849, MedGen C0796113, MONDO:0009965, OMIM 267000.

Submission:

Labcorp Genetics (formerly Invitae), Labcorp
Classification: Uncertain significance for Perlman syndrome. Last evaluated: 2025-04-29. Review status: criteria provided, single submitter. Criteria: Invitae Variant Classification Sherloc (09022015). Collection method: clinical testing. Allele origin: germline.
Comment: This sequence change is expected to alter the c-terminus of the DIS3L2 protein (p.Glu871Argfs*47). While this is not anticipated to result in nonsense mediated decay, it is expected to disrupt the last 15 amino acid(s) of the DIS3L2 protein and extend the protein by 31 additional amino acid residues. This variant is present in population databases (rs757759005, gnomAD 0.01%). This variant has not been reported in the literature in individuals affected with DIS3L2-related conditions. ClinVar contains an entry for this variant (Variation ID: 1415491). Experimental studies and prediction algorithms are not available or were not evaluated, and the functional significance of this variant is currently unknown. In summary, the available evidence is currently insufficient to determine the role of this variant in disease. Therefore, it has been classified as a Variant of Uncertain Significance.